The following is an entry in ClinVar:

NM_182895.5(SCARF2):c.293G>A (p.Cys98Tyr)

Gene: SCARF2 (scavenger receptor class F member 2; minus strand). Cytogenetic location: 22q11.21.
Variant type: single nucleotide variant.
Coding change: c.293G>A on transcript NM_182895.5 (MANE Select); coding-DNA position 293, G replaced by A.
Protein change: p.Cys98Tyr; replaces cysteine 98 with tyrosine.
Molecular consequence: missense variant.
Genome position (GRCh38, 1-based): chr22:20,431,786, C>T on the plus strand (G>A on the coding strand, the complement: SCARF2 is on the minus strand). VCF-style: chr22-20431786-C-T. GRCh37 (hg19) VCF-style: chr22-20786073-C-T.
Other names: c.293G>A, p.Cys98Tyr (NM_153334.7); short protein forms C98Y.
Identifiers: ClinVar variation 4854350 (VCV004854350.1).

ClinVar aggregate classification (germline): Uncertain significance (1 of 4 stars; one submission).

Conditions:
Van den Ende-Gupta syndrome (VDEGS). Also called: BLEPHAROPHIMOSIS, ARACHNODACTYLY, AND CONGENITAL CONTRACTURES. Identifiers: Orphanet 2460, MedGen C1833136, MONDO:0010959, OMIM 600920.

gnomAD v4.1: 1 of 1,593,562 alleles (0.000063%); highest among the groups gnomAD compares: East Asian, 0.0023%; no homozygotes.

Submission:

3billion
Classification: Uncertain significance for Van den Ende-Gupta syndrome. Last evaluated: 2025-10-27. Review status: criteria provided, single submitter. Criteria: ACMG Guidelines, 2015. Collection method: clinical testing. Allele origin: germline. Affected: yes.
Comment: The variant is observed at an extremely low frequency in the gnomAD v4.1.0 dataset (total allele frequency: <0.001%). Predicted Consequence/Location: Missense variant In silico tool predictions suggest damaging effect of the variant on gene or gene product [REVEL: 0.69 (>=0.6, sensitivity 0.68 and specificity 0.92); 3Cnet: 0.90 (> 0.75, sensitivity 0.96 and precision 0.92)]. Therefore, this variant is classified as VUS according to the recommendation of ACMG/AMP guideline.